The following is an entry in ClinVar:

ClinVar aggregate classification (germline): Uncertain significance (1 of 4 stars; one submission).

Submission:

GeneDx
Classification: Uncertain significance. Last evaluated: 2025-06-18. Review status: criteria provided, single submitter. Criteria: GeneDx Variant Classification Process June 2021. Collection method: clinical testing. Allele origin: germline. Affected: yes.
Comment: Not observed at significant frequency in large population cohorts (gnomAD); In silico analysis supports that this missense variant has a deleterious effect on protein structure/function; Has not been previously published as pathogenic or benign to our knowledge; This variant is associated with the following publications: (PMID: 19926015)

NM_001035.3(RYR2):c.1782T>G (p.Ile594Met)

Gene: RYR2 (ryanodine receptor 2; plus strand). Cytogenetic location: 1q43.
Variant type: single nucleotide variant.
Coding change: c.1782T>G on transcript NM_001035.3 (MANE Select); coding-DNA position 1782, T replaced by G.
Protein change: p.Ile594Met; replaces isoleucine 594 with methionine.
Molecular consequence: missense variant.
Genome position (GRCh38, 1-based): chr1:237,491,879, T>G. VCF-style: chr1-237491879-T-G. GRCh37 (hg19) VCF-style: chr1-237655179-T-G.
Other names: short protein forms I594M.
Identifiers: ClinVar variation 4538780 (VCV004538780.1).